The following is an entry in ClinVar:

NM_014053.4(FLVCR1):c.370C>T (p.Gln124Ter)

Gene: FLVCR1 (FLVCR choline and heme transporter 1; plus strand). Cytogenetic location: 1q32.3.
Variant type: single nucleotide variant.
Coding change: c.370C>T on transcript NM_014053.4 (MANE Select); coding-DNA position 370, C replaced by T.
Protein change: p.Gln124Ter; replaces glutamine 124 with a stop codon.
Molecular consequence: nonsense.
Genome position (GRCh38, 1-based): chr1:212,858,822, C>T. VCF-style: chr1-212858822-C-T. GRCh37 (hg19) VCF-style: chr1-213032164-C-T.
Other names: short protein forms Q124*.
Identifiers: ClinVar variation 4730270 (VCV004730270.1).

ClinVar aggregate classification (germline): Pathogenic (1 of 4 stars; one submission).

Submission:

Labcorp Genetics (formerly Invitae), Labcorp
Classification: Pathogenic. Last evaluated: 2025-11-01. Review status: criteria provided, single submitter. Criteria: Invitae Variant Classification Sherloc (09022015). Collection method: clinical testing. Allele origin: germline.
Comment: This sequence change creates a premature translational stop signal (p.Gln124*) in the FLVCR1 gene. It is expected to result in an absent or disrupted protein product. Loss-of-function variants in FLVCR1 are known to be pathogenic (PMID: 23591405, 27923065). This variant is not present in population databases (gnomAD no frequency). This variant has not been reported in the literature in individuals affected with FLVCR1-related conditions. For these reasons, this variant has been classified as Pathogenic.

Literature cited by the submitters: PubMed 23591405; PubMed 27923065.